The following is an entry in ClinVar:

ClinVar aggregate classification (germline): Likely benign (1 of 4 stars; one submission).

Conditions:
SHANK3-related disorder. Also called: SHANK3-related condition.

Allele frequency attached by ClinVar (database versions not stated): gnomAD exomes below 0.00001.

Submission:

PreventionGenetics, part of Exact Sciences
Classification: Likely benign for SHANK3-related condition. Last evaluated: 2023-01-31. Review status: criteria provided, single submitter. Criteria: ACMG Guidelines, 2015. Collection method: clinical testing. Allele origin: germline.
Comment: This variant is classified as likely benign based on ACMG/AMP sequence variant interpretation guidelines (Richards et al. 2015 PMID: 25741868, with internal and published modifications).

NM_001372044.2(SHANK3):c.1986G>A (p.Arg662=)

Genes: SHANK3 (SH3 and multiple ankyrin repeat domains 3; plus strand), LOC126863188 (CDK7 strongly-dependent group 2 enhancer GRCh37_chr22:51142004-51143203; plus strand). Cytogenetic location: 22q13.33.
Variant type: single nucleotide variant.
Coding change: c.1986G>A on transcript NM_001372044.2 (MANE Select); coding-DNA position 1986, G replaced by A.
Protein change: p.Arg662=; no amino-acid change (arginine 662 retained).
Molecular consequence: synonymous variant.
Genome position (GRCh38, 1-based): chr22:50,704,238, G>A. VCF-style: chr22-50704238-G-A. GRCh37 (hg19) VCF-style: chr22-51142666-G-A.
Other names: c.1761G>A, p.Arg587= (NM_033517.1).
Identifiers: ClinVar variation 3039008 (VCV003039008.1), dbSNP rs2146807236, ClinGen allele CA515256174.